The following is an entry in ClinVar:

ClinVar aggregate classification (germline): Uncertain significance. Review status: criteria provided, multiple submitters, no conflicts (2 of 4 stars). 2 submissions from 2 submitters: Uncertain significance (2). Last evaluated 2025-01-31.

Conditions:
Inborn genetic diseases. Identifiers: MedGen C0950123, MeSH D030342.

Allele frequency attached by ClinVar (database versions not stated): gnomAD 0.00001; gnomAD exomes 0.00001; TOPMed 0.00005.
gnomAD v4.1: 7 of 1,604,750 alleles (0.00044%); highest among the groups gnomAD compares: Middle Eastern, 0.05%; no homozygotes.

Submissions (2):

Women's Health and Genetics/Laboratory Corporation of America, LabCorp
Classification: Uncertain significance. Last evaluated: 2025-01-31. Review status: criteria provided, single submitter. Criteria: LabCorp Variant Classification Summary - May 2015. Collection method: clinical testing. Allele origin: germline.
Comment: Variant summary: SRRM2 c.1165G>C (p.Glu389Gln) results in a conservative amino acid change in the encoded protein sequence. Five of five in-silico tools predict a benign effect of the variant on protein function. The variant allele was found at a frequency of 4.1e-06 in 242380 control chromosomes. The available data on variant occurrences in the general population are insufficient to allow any conclusion about variant significance. To our knowledge, no occurrence of c.1165G>C in individuals affected with Intellectual Developmental Disorder, Autosomal Dominant 72 and no experimental evidence demonstrating its impact on protein function have been reported. ClinVar contains an entry for this variant (Variation ID: 3170101). Based on the evidence outlined above, the variant was classified as uncertain significance.

Ambry Genetics
Classification: Uncertain significance for Inborn genetic diseases. Last evaluated: 2023-12-14. Review status: criteria provided, single submitter. Criteria: Ambry Variant Classification Scheme 2023. Collection method: clinical testing. Allele origin: germline.

NM_016333.4(SRRM2):c.1165G>C (p.Glu389Gln)

Gene: SRRM2 (serine/arginine repetitive matrix 2; plus strand). Cytogenetic location: 16p13.3.
Variant type: single nucleotide variant.
Coding change: c.1165G>C on transcript NM_016333.4 (MANE Select); coding-DNA position 1165, G replaced by C.
Protein change: p.Glu389Gln; replaces glutamic acid 389 with glutamine.
Molecular consequence: missense variant.
Genome position (GRCh38, 1-based): chr16:2,761,693, G>C. VCF-style: chr16-2761693-G-C. GRCh37 (hg19) VCF-style: chr16-2811694-G-C.
Other names: short protein forms E389Q.
Identifiers: ClinVar variation 3170101 (VCV003170101.3), dbSNP rs1208109157, ClinGen allele CA394408176.